The following is an entry in ClinVar:

NM_001291303.3(FAT4):c.9550G>A (p.Val3184Ile)

Gene: FAT4 (FAT atypical cadherin 4; plus strand). Cytogenetic location: 4q28.1.
Variant type: single nucleotide variant.
Coding change: c.9550G>A on transcript NM_001291303.3 (MANE Select); coding-DNA position 9550, G replaced by A.
Protein change: p.Val3184Ile; replaces valine 3184 with isoleucine.
Molecular consequence: missense variant.
Genome position (GRCh38, 1-based): chr4:125,450,560, G>A. VCF-style: chr4-125450560-G-A. GRCh37 (hg19) VCF-style: chr4-126371715-G-A.
Other names: c.9544G>A (NM_024582.4); c.9550G>A, p.Val3184Ile (NM_001291285.3); c.9544G>A, p.Val3182Ile (NM_024582.6); short protein forms V3182I, V3184I.
Identifiers: ClinVar variation 1522649 (VCV001522649.7), dbSNP rs760921459, ClinGen allele CA3073540.

ClinVar aggregate classification (germline): Uncertain significance. Review status: criteria provided, multiple submitters, no conflicts (2 of 4 stars). 4 submissions from 4 submitters: Uncertain significance (4). Last evaluated 2025-10-26.

Conditions:
Hennekam lymphangiectasia-lymphedema syndrome 2 (HKLLS2). Identifiers: Orphanet 2136, MedGen C4014939, MONDO:0014454, OMIM 616006.
Van Maldergem syndrome 2 (VMLDS2). Identifiers: Orphanet 314679, MedGen C3809875, MONDO:0014242, OMIM 615546.
Inborn genetic diseases. Identifiers: MedGen C0950123, MeSH D030342.

Allele frequency attached by ClinVar (database versions not stated): gnomAD 0.00005; TOPMed 0.00006.
gnomAD v4.1: 49 of 1,613,984 alleles (0.003%); highest among the groups gnomAD compares: Middle Eastern, 0.016%; no homozygotes.

Submissions (4):

Clinical Genomics Laboratory, Washington University in St. Louis
Classification: Uncertain significance for Van Maldergem syndrome 2; Hennekam lymphangiectasia-lymphedema syndrome 2. Last evaluated: 2025-10-26. Review status: criteria provided, single submitter. Criteria: ACMG Guidelines, 2015. Collection method: clinical testing. Allele origin: germline.
Comment: A FAT4 c.9550G>A (p.Val3184Ile) variant was identified at a near heterozygous allelic fraction of 47.2%, a frequency which may be consistent with it being of germline origin. This variant, to our knowledge, has not been reported in the medical literature. This variant has been reported in the ClinVar database as a germline variant of uncertain significance by three submitters (Variation ID: 1522649). This variant is only observed in 49/1,613,984 alleles in the general population (gnomAD v4.1.0), indicating it is not a common variant. Computational predictors suggest that the variant does not impact FAT4 function. Due to limited information, and based on ACMG/AMP guidelines for variant interpretation (Richards S et al., PMID: 25741868), the clinical significance of this variant is uncertain at this time.

Ambry Genetics
Classification: Uncertain significance for Inborn genetic diseases. Last evaluated: 2025-06-06. Review status: criteria provided, single submitter. Criteria: Ambry Variant Classification Scheme 2023. Collection method: clinical testing. Allele origin: germline.

GeneDx
Classification: Uncertain significance. Last evaluated: 2024-12-06. Review status: criteria provided, single submitter. Criteria: GeneDx Variant Classification Process June 2021. Collection method: clinical testing. Allele origin: germline. Affected: yes.
Comment: Not observed at significant frequency in large population cohorts (gnomAD); In silico analysis indicates that this missense variant does not alter protein structure/function; Has not been previously published as pathogenic or benign to our knowledge

Labcorp Genetics (formerly Invitae), Labcorp
Classification: Uncertain significance. Last evaluated: 2022-10-17. Review status: criteria provided, single submitter. Criteria: Invitae Variant Classification Sherloc (09022015). Collection method: clinical testing. Allele origin: germline.
Comment: This sequence change replaces valine, which is neutral and non-polar, with isoleucine, which is neutral and non-polar, at codon 3182 of the FAT4 protein (p.Val3182Ile). This variant is present in population databases (rs760921459, gnomAD 0.006%). This variant has not been reported in the literature in individuals affected with FAT4-related conditions. ClinVar contains an entry for this variant (Variation ID: 1522649). Advanced modeling of protein sequence and biophysical properties (such as structural, functional, and spatial information, amino acid conservation, physicochemical variation, residue mobility, and thermodynamic stability) performed at Invitae indicates that this missense variant is not expected to disrupt FAT4 protein function. In summary, the available evidence is currently insufficient to determine the role of this variant in disease. Therefore, it has been classified as a Variant of Uncertain Significance.

Literature cited by the submitters: uncertain (cited by Clinical Genomics Laboratory, Washington University in St. Louis).